The following is an entry in ClinVar:

NM_013275.6(ANKRD11):c.3369_3372del (p.Ser1123fs)

Gene: ANKRD11 (ankyrin repeat domain 11; minus strand). Cytogenetic location: 16q24.3.
Variant type: Deletion.
Coding change: c.3369_3372del on transcript NM_013275.6 (MANE Select); coding-DNA positions 3369 to 3372, 4 bases deleted (TGAG; older notation c.3369_3372delTGAG).
Protein change: p.Ser1123fs; shifts the reading frame from serine 1123.
Molecular consequence: frameshift variant.
Genome position (GRCh38, 1-based): chr16:89,283,170-89,283,173, CTCA deleted on the plus strand (TGAG on the coding strand, the reverse complement: ANKRD11 is on the minus strand); deleting any 4 consecutive bases within chr16:89,283,170-89,283,176 gives the same sequence; the c. name uses the placement nearest the transcript's 3' end. VCF-style (leftmost placement, unchanged base first): chr16-89283169-CCTCA-C. GRCh37 (hg19) VCF-style: chr16-89349577-CCTCA-C.
Other names: c.3369_3372del, p.Ser1123fs (NM_001256182.2, NM_001256183.2); c.3369_3372del (NM_013275.5); short protein forms S1123fs.
Identifiers: ClinVar variation 978397 (VCV000978397.5), dbSNP rs2544237769, ClinGen allele CA1139664926.

ClinVar aggregate classification (germline): Pathogenic. Review status: criteria provided, multiple submitters, no conflicts (2 of 4 stars). 3 submissions from 3 submitters: Pathogenic (2). 1 of the submissions does not count toward it. Last evaluated 2024-12-04.

Conditions:
Rare genetic intellectual disability. Identifiers: Orphanet 183757, MedGen C5680527.
KBG syndrome (KBGS). Also called: ANKRD11-Related KBG Syndrome. Identifiers: Orphanet 2332, MedGen C0220687, MONDO:0007846, OMIM 148050.

Submissions (3):

GeneDx
Classification: Pathogenic. Last evaluated: 2024-12-04. Review status: criteria provided, single submitter. Criteria: GeneDx Variant Classification Process June 2021. Collection method: clinical testing. Allele origin: germline. Affected: yes.
Comment: Frameshift variant predicted to result in protein truncation or nonsense mediated decay in a gene for which loss of function is a known mechanism of disease; Not observed at significant frequency in large population cohorts (gnomAD); This variant is associated with the following publications: (PMID: 27620904)

Pittsburgh Clinical Genomics Laboratory, University of Pittsburgh Medical Center
Classification: Pathogenic for KBG syndrome. Last evaluated: 2023-11-24. Review status: criteria provided, single submitter. Criteria: ACMG Guidelines, 2015. Collection method: clinical testing. Allele origin: germline. Inheritance: Autosomal dominant inheritance. Affected: yes.
Comment: This sequence variant is a four-nucleotide deletion (delTGAG) in exon 9 of 13 of the ANKRD11 gene and results in an early termination signal 194 amino acids downstream of the frameshift at codon 1123. This variant is predicted to generate a non-functional allele through either the expression of a truncated protein or a loss of ankyrin repeat domain containing 11 expression due to nonsense mediated decay. This is a previously reported variant (ClinVar 978397) that has been observed in individuals affected by KGB syndrome (PMID: 27620904, 35970914). This variant is absent from the gnomAD v4 population database (0 of 833110 alleles). Haploinsufficiency in ANKRD11 is a known mechanism of disease (PMID: 29565525). Based upon the evidence, we consider this variant to be pathogenic. ACMG Criteria: PM2, PS4, PVS1

Service de Génétique Moléculaire, Hôpital Robert Debré
Classification: Likely pathogenic for Rare genetic intellectual disability. Review status: no assertion criteria provided. Collection method: clinical testing. Allele origin: unknown. Affected: yes. Not counted in ClinVar's aggregate classification.

Literature cited by the submitters: PubMed 27620904 (cited by Pittsburgh Clinical Genomics Laboratory, University of Pittsburgh Medical Center); PubMed 35970914 (cited by Pittsburgh Clinical Genomics Laboratory, University of Pittsburgh Medical Center); PubMed 29565525 (cited by Pittsburgh Clinical Genomics Laboratory, University of Pittsburgh Medical Center).